The following is an entry in ClinVar:

NM_002432.3(MNDA):c.340C>G (p.Pro114Ala)

Gene: MNDA (myeloid cell nuclear differentiation antigen; plus strand). Cytogenetic location: 1q23.1.
Variant type: single nucleotide variant.
Coding change: c.340C>G on transcript NM_002432.3 (MANE Select); coding-DNA position 340, C replaced by G.
Protein change: p.Pro114Ala; replaces proline 114 with alanine.
Molecular consequence: missense variant.
Genome position (GRCh38, 1-based): chr1:158,843,353, C>G. VCF-style: chr1-158843353-C-G. GRCh37 (hg19) VCF-style: chr1-158813143-C-G.
Other names: short protein forms P114A.
Identifiers: ClinVar variation 2496897 (VCV002496897.2), dbSNP rs1329858284, ClinGen allele CA343038675.

ClinVar aggregate classification (germline): Uncertain significance (1 of 4 stars; one submission).

Submission:

Ambry Genetics
Classification: Uncertain significance. Last evaluated: 2022-11-25. Review status: criteria provided, single submitter. Criteria: Ambry Variant Classification Scheme 2023. Collection method: clinical testing. Allele origin: germline.
Comment: The p.P114A variant (also known as c.340C>G), located in coding exon 2 of the MNDA gene, results from a C to G substitution at nucleotide position 340. The proline at codon 114 is replaced by alanine, an amino acid with highly similar properties. This amino acid position is conserved. In addition, this alteration is predicted to be tolerated by in silico analysis. Since supporting evidence is limited at this time, the clinical significance of this alteration remains unclear.